The following is an entry in ClinVar:

ClinVar aggregate classification (germline): Uncertain significance. Review status: criteria provided, multiple submitters, no conflicts (2 of 4 stars). 3 submissions from 3 submitters: Uncertain significance (3). Last evaluated 2025-01-19.

Conditions:
Hereditary cancer-predisposing syndrome. Also called: Neoplastic Syndromes, Hereditary; Tumor predisposition; Hereditary neoplastic syndrome; Hereditary Cancer Syndrome. Identifiers: Orphanet 140162, MedGen C0027672, MeSH D009386, MONDO:0015356.
Bloom syndrome (BLM). Also called: Bloom-Torre-Machacek syndrome. Identifiers: Orphanet 125, MedGen C0005859, MONDO:0008876, OMIM 210900.

Allele frequency attached by ClinVar (database versions not stated): TOPMed 0.00001.
gnomAD v4.1: 28 of 1,614,242 alleles (0.0017%); highest among the groups gnomAD compares: Non-Finnish European, 0.0024%; no homozygotes.

Submissions (3):

Ambry Genetics
Classification: Uncertain significance for Hereditary cancer-predisposing syndrome. Last evaluated: 2025-01-19. Review status: criteria provided, single submitter. Criteria: Ambry Variant Classification Scheme 2023. Collection method: clinical testing. Allele origin: germline.
Comment: The p.I248L variant (also known as c.742A>T), located in coding exon 2 of the BLM gene, results from an A to T substitution at nucleotide position 742. The isoleucine at codon 248 is replaced by leucine, an amino acid with highly similar properties. This amino acid position is not well conserved in available vertebrate species. In addition, this alteration is predicted to be tolerated by in silico analysis. Since supporting evidence is limited at this time, the clinical significance of this alteration remains unclear.

Labcorp Genetics (formerly Invitae), Labcorp
Classification: Uncertain significance for Bloom syndrome. Last evaluated: 2021-10-28. Review status: criteria provided, single submitter. Criteria: Invitae Variant Classification Sherloc (09022015). Collection method: clinical testing. Allele origin: germline.
Comment: This sequence change replaces isoleucine, which is neutral and non-polar, with leucine, which is neutral and non-polar, at codon 248 of the BLM protein (p.Ile248Leu). This variant is present in population databases (rs558524280, gnomAD 0.002%). This variant has not been reported in the literature in individuals affected with BLM-related conditions. ClinVar contains an entry for this variant (Variation ID: 827040). Algorithms developed to predict the effect of missense changes on protein structure and function output the following: SIFT: "Tolerated"; PolyPhen-2: "Benign"; Align-GVGD: "Class C0". The leucine amino acid residue is found in multiple mammalian species, which suggests that this missense change does not adversely affect protein function. In summary, the available evidence is currently insufficient to determine the role of this variant in disease. Therefore, it has been classified as a Variant of Uncertain Significance.

Sema4
Classification: Uncertain significance for Hereditary cancer-predisposing syndrome. Last evaluated: 2021-06-03. Review status: criteria provided, single submitter. Criteria: Sema4 Curation Guidelines. Collection method: curation. Allele origin: germline.
Comment: The BLM c.742A>T (p.I248L) variant has not been reported in the literature to our knowledge. It was observed in 2/112998 chromosomes of the European (non-Finnish) subpopulation in the large and broad cohorts of the Genome Aggregation Database (PMID: 32461654) and has been reported in ClinVar (Variation ID 827040). In silico tools suggest the impact of the variant on protein function is benign, though these predictions have not been confirmed by functional studies. The evidence is insufficient to meet ACMG/AMP criteria for classifying the variant as benign or pathogenic. Thus, the clinical significance of this variant is currently uncertain.

NM_000057.4(BLM):c.742A>T (p.Ile248Leu)

Gene: BLM (BLM RecQ like helicase; plus strand). Cytogenetic location: 15q26.1.
Variant type: single nucleotide variant.
Coding change: c.742A>T on transcript NM_000057.4 (MANE Select); coding-DNA position 742, A replaced by T.
Protein change: p.Ile248Leu; replaces isoleucine 248 with leucine.
Molecular consequence: missense variant. On other transcripts: 5 prime UTR variant (1).
Genome position (GRCh38, 1-based): chr15:90,750,010, A>T. VCF-style: chr15-90750010-A-T. GRCh37 (hg19) VCF-style: chr15-91293240-A-T.
Other names: c.742A>T, p.Ile248Leu (NM_001287246.2, NM_001287247.2); c.-550A>T (NM_001287248.2); short protein forms I248L.
Identifiers: ClinVar variation 827040 (VCV000827040.12), dbSNP rs558524280, ClinGen allele CA7738343.
Genomic context (GRCh38, chr15:90,750,010, plus strand): 5'-TCAGAATGGTTAAGCAGCGATGTGATTTGCATCGATGATGGCCCCATTGCTGAAGTGCAT[A>T]TAAATGAAGATGCTCAGGAAAGTGACTCTCTGAAAACTCATTTGGAAGATGAAAGAGGTA-3'
Protein context (NP_000048.1, residues 238-258): IDDGPIAEVH[Ile248Leu]NEDAQESDSL